The following is an entry in ClinVar:

NM_000229.2(LCAT):c.713del (p.Gly238fs)

Gene: LCAT (lecithin-cholesterol acyltransferase; minus strand). Cytogenetic location: 16q22.1.
Variant type: Deletion.
Coding change: c.713del on transcript NM_000229.2 (MANE Select); coding-DNA position 713, one base deleted (G; older notation c.713delG).
Protein change: p.Gly238fs; shifts the reading frame from glycine 238.
Molecular consequence: frameshift variant.
Genome position (GRCh38, 1-based): chr16:67,942,398, C deleted on the plus strand (G on the coding strand, the reverse complement: LCAT is on the minus strand); the first of 4 consecutive C bases (chr16:67,942,398-67,942,401); deleting any one gives the same sequence. VCF-style (leftmost placement, unchanged base first): chr16-67942397-AC-A. GRCh37 (hg19) VCF-style: chr16-67976300-AC-A.
Other names: short protein forms G238fs.
Identifiers: ClinVar variation 3067749 (VCV003067749.21), dbSNP rs2544405667, ClinGen allele CA2633847937.

ClinVar aggregate classification (germline): Likely pathogenic (1 of 4 stars; one submission).

Submission:

CeGaT Center for Human Genetics Tuebingen
Classification: Likely pathogenic. Last evaluated: 2024-03-01. Review status: criteria provided, single submitter. Criteria: CeGaT Center For Human Genetics Tuebingen Variant Classification Criteria Version 2. Collection method: clinical testing. Allele origin: germline. Affected: yes. Observed: 1 variant allele.
Comment: LCAT: PVS1:Strong, PM2